The following is an entry in ClinVar:

ClinVar aggregate classification (germline): Uncertain significance. Review status: criteria provided, multiple submitters, no conflicts (2 of 4 stars). 2 submissions from 2 submitters: Uncertain significance (2). Last evaluated 2024-11-16.

Conditions:
Prostate cancer, hereditary, 9 (HPC9). Identifiers: Orphanet 1331, MedGen C1970250, MONDO:0012597, OMIM 610997.
Hereditary cancer-predisposing syndrome. Also called: Hereditary Cancer Syndrome; Hereditary neoplastic syndrome; Tumor predisposition; Neoplastic Syndromes, Hereditary. Identifiers: Orphanet 140162, MedGen C0027672, MeSH D009386, MONDO:0015356.

gnomAD v4.1: 1 of 1,614,152 alleles (0.000062%); highest among the groups gnomAD compares: Non-Finnish European, 0.000085%; no homozygotes.

Submissions (2):

Ambry Genetics
Classification: Uncertain significance for Hereditary cancer-predisposing syndrome. Last evaluated: 2024-11-16. Review status: criteria provided, single submitter. Criteria: Ambry Variant Classification Scheme 2023. Collection method: clinical testing. Allele origin: germline.
Comment: The p.G192C variant (also known as c.574G>T), located in coding exon 1 of the HOXB13 gene, results from a G to T substitution at nucleotide position 574. The glycine at codon 192 is replaced by cysteine, an amino acid with highly dissimilar properties. This amino acid position is conserved. In addition, the in silico prediction for this alteration is inconclusive. Based on the available evidence, the clinical significance of this variant remains unclear.

Department of Pathology and Laboratory Medicine, Sinai Health System
Classification: Uncertain significance for Prostate cancer, hereditary, 9. Last evaluated: 2024-07-02. Review status: criteria provided, single submitter. Criteria: ACMG Guidelines, 2015. Collection method: clinical testing. Allele origin: germline. Affected: no.

NM_006361.6(HOXB13):c.574G>T (p.Gly192Cys)

Gene: HOXB13 (homeobox B13; minus strand). Cytogenetic location: 17q21.32.
Variant type: single nucleotide variant.
Coding change: c.574G>T on transcript NM_006361.6 (MANE Select); coding-DNA position 574, G replaced by T.
Protein change: p.Gly192Cys; replaces glycine 192 with cysteine.
Molecular consequence: missense variant.
Genome position (GRCh38, 1-based): chr17:48,728,020, C>A on the plus strand (G>T on the coding strand, the complement: HOXB13 is on the minus strand). VCF-style: chr17-48728020-C-A. GRCh37 (hg19) VCF-style: chr17-46805382-C-A.
Other names: short protein forms G192C.
Identifiers: ClinVar variation 3526302 (VCV003526302.2).